The following is an entry in ClinVar:

ClinVar aggregate classification (germline): Uncertain significance. Review status: criteria provided, multiple submitters, no conflicts (2 of 4 stars). 2 submissions from 2 submitters: Uncertain significance (2). Last evaluated 2025-08-05.

Conditions:
Inborn genetic diseases. Identifiers: MedGen C0950123, MeSH D030342.

Allele frequency attached by ClinVar (database versions not stated): gnomAD exomes 0.00003 and 0.00006; ESP Exome Variant Server 0.00008; ExAC 0.00022; gnomAD 0.00030 and 0.00034; TOPMed 0.00031; 1000 Genomes Project 0.00040; 1000 Genomes Project 30x 0.00062.
gnomAD v4.1: 88 of 1,584,490 alleles (0.0056%); highest among the groups gnomAD compares: African/African-American, 0.11%; no homozygotes.

Submissions (2):

Ambry Genetics
Classification: Uncertain significance for Inborn genetic diseases. Last evaluated: 2025-08-05. Review status: criteria provided, single submitter. Criteria: Ambry Variant Classification Scheme 2023. Collection method: clinical testing. Allele origin: germline.

GeneDx
Classification: Uncertain significance. Last evaluated: 2024-10-07. Review status: criteria provided, single submitter. Criteria: GeneDx Variant Classification Process June 2021. Collection method: clinical testing. Allele origin: germline. Affected: yes.
Comment: In silico analysis indicates that this missense variant does not alter protein structure/function; Has not been previously published as pathogenic or benign to our knowledge

NM_031475.3(ESPN):c.582A>T (p.Glu194Asp)

Gene: ESPN (espin; plus strand). Cytogenetic location: 1p36.31.
Variant type: single nucleotide variant.
Coding change: c.582A>T on transcript NM_031475.3 (MANE Select); coding-DNA position 582, A replaced by T.
Protein change: p.Glu194Asp; replaces glutamic acid 194 with aspartic acid.
Molecular consequence: missense variant.
Genome position (GRCh38, 1-based): chr1:6,440,347, A>T. VCF-style: chr1-6440347-A-T. GRCh37 (hg19) VCF-style: chr1-6500407-A-T.
Other names: c.582A>T, p.Glu194Asp (NM_001367473.1, NM_001367474.1); short protein forms E194D.
Identifiers: ClinVar variation 1329702 (VCV001329702.4), dbSNP rs372888541, ClinGen allele CA559933.